The following is an entry in ClinVar:

NM_006227.4(PLTP):c.1463C>T (p.Pro488Leu)

Gene: PLTP (phospholipid transfer protein; minus strand). Cytogenetic location: 20q13.12.
Variant type: single nucleotide variant.
Coding change: c.1463C>T on transcript NM_006227.4 (MANE Select); coding-DNA position 1463, C replaced by T.
Protein change: p.Pro488Leu; replaces proline 488 with leucine.
Molecular consequence: missense variant.
Genome position (GRCh38, 1-based): chr20:45,898,960, G>A on the plus strand (C>T on the coding strand, the complement: PLTP is on the minus strand). VCF-style: chr20-45898960-G-A. GRCh37 (hg19) VCF-style: chr20-44527599-G-A.
Other names: c.1178C>T, p.Pro393Leu (NM_001242920.2); c.1199C>T, p.Pro400Leu (NM_001242921.1); c.1307C>T, p.Pro436Leu (NM_182676.3); short protein forms P400L, P436L, P393L, P488L.
Identifiers: ClinVar variation 4761171 (VCV004761171.1).

ClinVar aggregate classification (germline): Uncertain significance (1 of 4 stars; one submission).

gnomAD v4.1: 16 of 1,614,134 alleles (0.00099%); highest among the groups gnomAD compares: Non-Finnish European, 0.0012%; no homozygotes.

Submission:

Labcorp Genetics (formerly Invitae), Labcorp
Classification: Uncertain significance. Last evaluated: 2025-02-04. Review status: criteria provided, single submitter. Criteria: Invitae Variant Classification Sherloc (09022015). Collection method: clinical testing. Allele origin: germline.
Comment: This sequence change replaces proline, which is neutral and non-polar, with leucine, which is neutral and non-polar, at codon 488 of the PLTP protein (p.Pro488Leu). This variant is not present in population databases (gnomAD no frequency). This variant has not been reported in the literature in individuals affected with PLTP-related conditions. Experimental studies and prediction algorithms are not available or were not evaluated, and the functional significance of this variant is currently unknown. In summary, the available evidence is currently insufficient to determine the role of this variant in disease. Therefore, it has been classified as a Variant of Uncertain Significance.